The following is an entry in ClinVar:

ClinVar aggregate classification (germline): Uncertain significance (1 of 4 stars; one submission).

Conditions:
Atrial fibrillation, familial, 18 (ATFB18). Identifiers: MedGen C4310636, MONDO:0015001, OMIM 617280.

Allele frequency attached by ClinVar (database versions not stated): gnomAD exomes 0.00001; ExAC 0.00002; TOPMed 0.00001.
gnomAD v4.1: 10 of 1,614,214 alleles (0.00062%); highest among the groups gnomAD compares: Non-Finnish European, 0.00076%; no homozygotes.

Submission:

Labcorp Genetics (formerly Invitae), Labcorp
Classification: Uncertain significance for Atrial fibrillation, familial, 18. Last evaluated: 2024-08-01. Review status: criteria provided, single submitter. Criteria: Invitae Variant Classification Sherloc (09022015). Collection method: clinical testing. Allele origin: germline.
Comment: This sequence change replaces cysteine, which is neutral and slightly polar, with tyrosine, which is neutral and polar, at codon 78 of the MYL4 protein (p.Cys78Tyr). This variant is present in population databases (rs768793001, gnomAD 0.002%). This variant has not been reported in the literature in individuals affected with MYL4-related conditions. ClinVar contains an entry for this variant (Variation ID: 2065572). An algorithm developed to predict the effect of missense changes on protein structure and function (PolyPhen-2) suggests that this variant is likely to be disruptive. In summary, the available evidence is currently insufficient to determine the role of this variant in disease. Therefore, it has been classified as a Variant of Uncertain Significance.

NM_002476.2(MYL4):c.233G>A (p.Cys78Tyr)

Gene: MYL4 (myosin light chain 4; plus strand). Cytogenetic location: 17q21.32.
Variant type: single nucleotide variant.
Coding change: c.233G>A on transcript NM_002476.2 (MANE Select); coding-DNA position 233, G replaced by A.
Protein change: p.Cys78Tyr; replaces cysteine 78 with tyrosine.
Molecular consequence: missense variant.
Genome position (GRCh38, 1-based): chr17:47,219,973, G>A. VCF-style: chr17-47219973-G-A. GRCh37 (hg19) VCF-style: chr17-45297339-G-A.
Other names: c.233G>A, p.Cys78Tyr (NM_001002841.2); short protein forms C78Y.
Identifiers: ClinVar variation 2065572 (VCV002065572.4), dbSNP rs768793001, ClinGen allele CA8622689.